The following is an entry in ClinVar:

ClinVar aggregate classification (germline): Uncertain significance (1 of 4 stars; one submission).

Allele frequency attached by ClinVar (database versions not stated): TOPMed 0.00001.
gnomAD v4.1: 14 of 1,378,940 alleles (0.001%); highest among the groups gnomAD compares: Non-Finnish European, 0.0013%; no homozygotes.

Submission:

Labcorp Genetics (formerly Invitae), Labcorp
Classification: Uncertain significance. Last evaluated: 2022-07-05. Review status: criteria provided, single submitter. Criteria: Invitae Variant Classification Sherloc (09022015). Collection method: clinical testing. Allele origin: germline.
Comment: This sequence change replaces alanine, which is neutral and non-polar, with serine, which is neutral and polar, at codon 30 of the COL18A1 protein (p.Ala30Ser). This variant is not present in population databases (gnomAD no frequency). This variant has not been reported in the literature in individuals affected with COL18A1-related conditions. ClinVar contains an entry for this variant (Variation ID: 1361283). Experimental studies and prediction algorithms are not available or were not evaluated, and the functional significance of this variant is currently unknown. In summary, the available evidence is currently insufficient to determine the role of this variant in disease. Therefore, it has been classified as a Variant of Uncertain Significance.

NM_001379500.1(COL18A1):c.88G>T (p.Ala30Ser)

Genes: BNAT1 (breast cancer associated ESR1 regulating natural antisense transcript 1; minus strand), COL18A1 (collagen type XVIII alpha 1 chain; plus strand). Cytogenetic location: 21q22.3.
Variant type: single nucleotide variant.
Coding change: c.88G>T on transcript NM_001379500.1 (MANE Select); coding-DNA position 88, G replaced by T.
Protein change: p.Ala30Ser; replaces alanine 30 with serine.
Molecular consequence: missense variant.
Genome position (GRCh38, 1-based): chr21:45,405,455, G>T. VCF-style: chr21-45405455-G-T. GRCh37 (hg19) VCF-style: chr21-46825370-G-T.
Other names: short protein forms A30S.
Identifiers: ClinVar variation 1361283 (VCV001361283.3), dbSNP rs879434103, ClinGen allele CA321736803.